The following is an entry in ClinVar:

NM_005908.4(MANBA):c.1376A>T (p.Glu459Val)

Gene: MANBA (mannosidase beta; minus strand). Cytogenetic location: 4q24.
Variant type: single nucleotide variant.
Coding change: c.1376A>T on transcript NM_005908.4 (MANE Select); coding-DNA position 1376, A replaced by T.
Protein change: p.Glu459Val; replaces glutamic acid 459 with valine.
Molecular consequence: missense variant.
Genome position (GRCh38, 1-based): chr4:102,664,794, T>A on the plus strand (A>T on the coding strand, the complement: MANBA is on the minus strand). VCF-style: chr4-102664794-T-A. GRCh37 (hg19) VCF-style: chr4-103585951-T-A.
Other names: short protein forms E459V.
Identifiers: ClinVar variation 2099109 (VCV002099109.4), dbSNP rs1160738415, ClinGen allele CA357761172.

ClinVar aggregate classification (germline): Uncertain significance (1 of 4 stars; one submission).

Conditions:
Beta-D-mannosidosis (MANSB). Also called: Beta-Mannosidosis; MANNOSIDOSIS, BETA A, LYSOSOMAL; BETA-MANNOSIDASE DEFICIENCY; LYSOSOMAL BETA-MANNOSIDASE DEFICIENCY. Identifiers: Orphanet 118, MedGen C4048196, MONDO:0009562, OMIM 248510.

Allele frequency attached by ClinVar (database versions not stated): gnomAD exomes below 0.00001.
gnomAD v4.1: 5 of 1,610,454 alleles (0.00031%); highest among the groups gnomAD compares: Non-Finnish European, 0.00042%; no homozygotes.

Submission:

Labcorp Genetics (formerly Invitae), Labcorp
Classification: Uncertain significance for Beta-D-mannosidosis. Last evaluated: 2025-03-17. Review status: criteria provided, single submitter. Criteria: Invitae Variant Classification Sherloc (09022015). Collection method: clinical testing. Allele origin: germline.
Comment: This sequence change replaces glutamic acid, which is acidic and polar, with valine, which is neutral and non-polar, at codon 459 of the MANBA protein (p.Glu459Val). This variant is present in population databases (no rsID available, gnomAD 0.0009%). This variant has not been reported in the literature in individuals affected with MANBA-related conditions. ClinVar contains an entry for this variant (Variation ID: 2099109). Invitae Evidence Modeling of protein sequence and biophysical properties (such as structural, functional, and spatial information, amino acid conservation, physicochemical variation, residue mobility, and thermodynamic stability) indicates that this missense variant is expected to disrupt MANBA protein function with a positive predictive value of 80%. In summary, the available evidence is currently insufficient to determine the role of this variant in disease. Therefore, it has been classified as a Variant of Uncertain Significance.